The following is an entry in ClinVar:

NC_000011.9:g.(?_9091245)_(9225884_?)dup

Genes: DENND5A (DENN domain containing 5A; minus strand), SCUBE2 (signal peptide, CUB domain and EGF like domain containing 2; minus strand). Cytogenetic location: 11p15.4.
Variant type: Duplication.
Identifiers: ClinVar variation 2426103 (VCV002426103.4).

ClinVar aggregate classification (germline): Uncertain significance (1 of 4 stars; one submission).

Submission:

Labcorp Genetics (formerly Invitae), Labcorp
Classification: Uncertain significance. Last evaluated: 2022-05-21. Review status: criteria provided, single submitter. Criteria: Invitae Variant Classification Sherloc (09022015). Collection method: clinical testing. Allele origin: germline.
Comment: In summary, the available evidence is currently insufficient to determine the role of this variant in disease. Therefore, it has been classified as a Variant of Uncertain Significance. This variant has not been reported in the literature in individuals affected with DENND5A-related conditions. This variant results in a copy number gain of the genomic region encompassing exon(s) 4-23 of the DENND5A gene. This region includes the termination codon of the gene. This copy number gain extends beyond the assayed region for this gene and therefore may encompass additional genes. As the precise location of this event is unknown, it may be in tandem or it may be located elsewhere in the genome.